The following is an entry in ClinVar:

ClinVar aggregate classification (germline): Uncertain significance (1 of 4 stars; one submission).

Submission:

Labcorp Genetics (formerly Invitae), Labcorp
Classification: Uncertain significance. Last evaluated: 2023-01-16. Review status: criteria provided, single submitter. Criteria: Invitae Variant Classification Sherloc (09022015). Collection method: clinical testing. Allele origin: germline.
Comment: This sequence change replaces valine, which is neutral and non-polar, with phenylalanine, which is neutral and non-polar, at codon 1106 of the RP1 protein (p.Val1106Phe). This variant is not present in population databases (gnomAD no frequency). In summary, the available evidence is currently insufficient to determine the role of this variant in disease. Therefore, it has been classified as a Variant of Uncertain Significance. Algorithms developed to predict the effect of missense changes on protein structure and function are either unavailable or do not agree on the potential impact of this missense change (SIFT: "Deleterious"; PolyPhen-2: "Possibly Damaging"; Align-GVGD: "Class C0"). This variant has not been reported in the literature in individuals affected with RP1-related conditions.

NM_006269.2(RP1):c.3316G>T (p.Val1106Phe)

Gene: RP1 (RP1 axonemal microtubule associated; plus strand). Cytogenetic location: 8q12.1.
Variant type: single nucleotide variant.
Coding change: c.3316G>T on transcript NM_006269.2 (MANE Select); coding-DNA position 3316, G replaced by T.
Protein change: p.Val1106Phe; replaces valine 1106 with phenylalanine.
Molecular consequence: missense variant. On other transcripts: intron variant (1).
Genome position (GRCh38, 1-based): chr8:54,627,198, G>T. VCF-style: chr8-54627198-G-T. GRCh37 (hg19) VCF-style: chr8-55539758-G-T.
Other names: c.787+4910G>T (NM_001375654.1); short protein forms V1106F.
Identifiers: ClinVar variation 2829185 (VCV002829185.3), dbSNP rs2536578719, ClinGen allele CA370996106.